The following is an entry in ClinVar:

ClinVar aggregate classification (germline): Uncertain significance (1 of 4 stars; one submission).

Allele frequency attached by ClinVar (database versions not stated): TOPMed below 0.00001; gnomAD 0.00001.
gnomAD v4.1: 1 of 1,606,478 alleles (0.000062%); highest among the groups gnomAD compares: Admixed American, 0.0017%; no homozygotes.

Submission:

Labcorp Genetics (formerly Invitae), Labcorp
Classification: Uncertain significance. Last evaluated: 2022-06-20. Review status: criteria provided, single submitter. Criteria: Invitae Variant Classification Sherloc (09022015). Collection method: clinical testing. Allele origin: germline.
Comment: In summary, the available evidence is currently insufficient to determine the role of this variant in disease. Therefore, it has been classified as a Variant of Uncertain Significance. Algorithms developed to predict the effect of missense changes on protein structure and function are either unavailable or do not agree on the potential impact of this missense change (SIFT: "Tolerated"; PolyPhen-2: "Possibly Damaging"; Align-GVGD: "Class C0"). This variant has not been reported in the literature in individuals affected with DMXL2-related conditions. This variant is not present in population databases (gnomAD no frequency). This sequence change replaces alanine, which is neutral and non-polar, with valine, which is neutral and non-polar, at codon 2318 of the DMXL2 protein (p.Ala2318Val).

NM_001378457.1(DMXL2):c.6953C>T (p.Ala2318Val)

Gene: DMXL2 (Dmx like 2; minus strand). Cytogenetic location: 15q21.2.
Variant type: single nucleotide variant.
Coding change: c.6953C>T on transcript NM_001378457.1 (MANE Select); coding-DNA position 6953, C replaced by T.
Protein change: p.Ala2318Val; replaces alanine 2318 with valine.
Molecular consequence: missense variant. On other transcripts: non-coding transcript variant (2).
Genome position (GRCh38, 1-based): chr15:51,476,600, G>A on the plus strand (C>T on the coding strand, the complement: DMXL2 is on the minus strand). VCF-style: chr15-51476600-G-A. GRCh37 (hg19) VCF-style: chr15-51768797-G-A.
Other names: c.6953C>T, p.Ala2318Val (NM_001174116.3, NM_001378459.1, NM_001378461.1 and 1 more transcripts); c.5042C>T, p.Ala1681Val (NM_001174117.3); c.6950C>T, p.Ala2317Val (NM_001378458.1, NM_001378462.1, NM_015263.5); c.4931C>T, p.Ala1644Val (NM_001378460.1); c.6710C>T, p.Ala2237Val (NM_001378464.1); short protein forms A2317V, A1644V, A1681V, A2237V, A2318V.
Identifiers: ClinVar variation 1441405 (VCV001441405.6), dbSNP rs2041603102, ClinGen allele CA392441428.